The following is an entry in ClinVar:

NM_001042492.3(NF1):c.8501G>A (p.Ser2834Asn)

Gene: NF1 (neurofibromin 1; plus strand). Cytogenetic location: 17q11.2.
Variant type: single nucleotide variant.
Coding change: c.8501G>A on transcript NM_001042492.3 (MANE Select); coding-DNA position 8501, G replaced by A.
Protein change: p.Ser2834Asn; replaces serine 2834 with asparagine.
Molecular consequence: missense variant.
Genome position (GRCh38, 1-based): chr17:31,374,136, G>A. VCF-style: chr17-31374136-G-A. GRCh37 (hg19) VCF-style: chr17-29701154-G-A.
Other names: c.8438G>A, p.Ser2813Asn (NM_000267.4); short protein forms S2834N, S2813N.
Identifiers: ClinVar variation 2975561 (VCV002975561.5), dbSNP rs2151601621, ClinGen allele CA399206111.
Genomic context (GRCh38, chr17:31,374,136, plus strand): 5'-GCCACGGATCCGCAAGCCAAGTGCAGAAGCAAAGAAGCGCTGGCAGTTTCAAACGTAATA[G>A]CATTAAGAAGATCGTGTGAAGCTTGCTTGCTTTCTTTTTTAAAATCAACTTAACATGGGC-3'
Protein context (NP_001035957.1, residues 2824-2839): QRSAGSFKRN[Ser2834Asn]IKKIV

ClinVar aggregate classification (germline): Conflicting classifications of pathogenicity. Review status: criteria provided, conflicting classifications (1 of 4 stars). 2 submissions from 2 submitters: Uncertain significance (1); Likely benign (1). Last evaluated 2026-07-10.

Conditions:
Cardiovascular phenotype. Identifiers: MedGen CN230736.
Hereditary cancer-predisposing syndrome. Also called: Hereditary Cancer Syndrome; Hereditary neoplastic syndrome; Neoplastic Syndromes, Hereditary; Tumor predisposition. Identifiers: Orphanet 140162, MedGen C0027672, MeSH D009386, MONDO:0015356.
Neurofibromatosis, type 1 (NF1). Also called: Peripheral type neurofibromatosis; Neurofibromatosis, type I; VON RECKLINGHAUSEN DISEASE; NEUROFIBROMATOSIS, TYPE I, SOMATIC. Identifiers: Orphanet 636, MedGen C0027831, MONDO:0018975, OMIM 162200. Disease mechanism: loss of function.

Allele frequency attached by ClinVar (database versions not stated): gnomAD exomes below 0.00001.
gnomAD v4.1: 3 of 1,614,050 alleles (0.00019%); highest among the groups gnomAD compares: Non-Finnish European, 0.00025%; no homozygotes.

Submissions (2):

Ambry Genetics
Classification: Likely benign for Cardiovascular phenotype; Hereditary cancer-predisposing syndrome. Last evaluated: 2026-07-10. Review status: criteria provided, single submitter. Criteria: Ambry Variant Classification Scheme 2023. Collection method: clinical testing. Allele origin: germline.

Labcorp Genetics (formerly Invitae), Labcorp
Classification: Uncertain significance for Neurofibromatosis, type 1. Last evaluated: 2023-06-04. Review status: criteria provided, single submitter. Criteria: Invitae Variant Classification Sherloc (09022015). Collection method: clinical testing. Allele origin: germline.
Comment: In summary, the available evidence is currently insufficient to determine the role of this variant in disease. Therefore, it has been classified as a Variant of Uncertain Significance. Advanced modeling of protein sequence and biophysical properties (such as structural, functional, and spatial information, amino acid conservation, physicochemical variation, residue mobility, and thermodynamic stability) has been performed at Invitae for this missense variant, however the output from this modeling did not meet the statistical confidence thresholds required to predict the impact of this variant on NF1 protein function. This variant has not been reported in the literature in individuals affected with NF1-related conditions. This variant is not present in population databases (gnomAD no frequency). This sequence change replaces serine, which is neutral and polar, with asparagine, which is neutral and polar, at codon 2813 of the NF1 protein (p.Ser2813Asn).